The following is an entry in ClinVar:

NM_016302.4(CRBN):c.735T>C (p.Tyr245=)

Gene: CRBN (cereblon; minus strand). Cytogenetic location: 3p26.2.
Variant type: single nucleotide variant.
Coding change: c.735T>C on transcript NM_016302.4 (MANE Select); coding-DNA position 735, T replaced by C.
Protein change: p.Tyr245=; no amino-acid change (tyrosine 245 retained).
Molecular consequence: synonymous variant.
Genome position (GRCh38, 1-based): chr3:3,156,234, A>G on the plus strand (T>C on the coding strand, the complement: CRBN is on the minus strand). VCF-style: chr3-3156234-A-G. GRCh37 (hg19) VCF-style: chr3-3197918-A-G.
Other names: c.732T>C, p.Tyr244= (NM_001173482.1).
Identifiers: ClinVar variation 128857 (VCV000128857.10), dbSNP rs17027638, ClinGen allele CA152509.
Genomic context (GRCh38, chr3:3,156,234, plus strand): 5'-ACATGGCCTACCATATATAAAGTAAATTTAAGGTAAGTTACTTACAGCATCATATAAGGA[A>G]TACAGCCAGCGAGGCCATGAAGTTAGATTTGCACAATGAAACTTTCTCTGAAAACAAAAC-3'
Protein context (NP_057386.2, residues 235-255): ANLTSWPRWL[Tyr245=]SLYDAETLMD

ClinVar aggregate classification (germline): Benign. Review status: criteria provided, multiple submitters, no conflicts (2 of 4 stars). 3 submissions from 3 submitters: Benign (2). 1 of the submissions does not count toward it. Last evaluated 2021-07-30.

Conditions:
Intellectual developmental disorder, autosomal recessive 2. Also called: Intellectual disability, autosomal recessive 2; MENTAL RETARDATION, AUTOSOMAL RECESSIVE 2A. Identifiers: Orphanet 88616, MedGen C1843942, MONDO:0011828, OMIM 607417.

Allele frequency attached by ClinVar (database versions not stated): ESP Exome Variant Server 0.01538; gnomAD 0.05605 and 0.07348; gnomAD exomes 0.06277 and 0.14259; TOPMed 0.07304; ExAC 0.13489; 1000 Genomes Project 30x 0.23563; 1000 Genomes Project 0.24840.
gnomAD v4.1: 103,704 of 1,613,592 alleles (6.4%); highest among the groups gnomAD compares: East Asian, 70%; 18,029 homozygotes.

Submissions (3):

Genome-Nilou Lab
Classification: Benign for Intellectual developmental disorder, autosomal recessive 2. Last evaluated: 2021-07-30. Review status: criteria provided, single submitter. Criteria: ACMG Guidelines, 2015. Collection method: clinical testing. Allele origin: germline. Affected: no.

Breakthrough Genomics
Classification: Benign. Review status: criteria provided, single submitter. Criteria: ACMG Guidelines, 2015. Collection method: not provided. Allele origin: germline. Inheritance: Autosomal recessive inheritance. Affected: yes.

Genetic Services Laboratory, University of Chicago
Classification: Likely benign for AllHighlyPenetrant. Review status: no assertion criteria provided. Collection method: clinical testing. Allele origin: germline. Inheritance: Autosomal recessive inheritance. Not counted in ClinVar's aggregate classification.
Comment: Likely benign based on allele frequency in 1000 Genomes Project or ESP global frequency and its presence in a patient with a rare or unrelated disease phenotype. NOT Sanger confirmed.